The following is an entry in ClinVar:

ClinVar aggregate classification (germline): Uncertain significance (1 of 4 stars; one submission).

Conditions:
Epileptic encephalopathy. Identifiers: MedGen C0543888, HP:0200134.

Allele frequency attached by ClinVar (database versions not stated): gnomAD 0.00001; gnomAD exomes 0.00001.
gnomAD v4.1: 7 of 1,604,122 alleles (0.00044%); highest among the groups gnomAD compares: Non-Finnish European, 0.0006%; no homozygotes.

Submission:

Labcorp Genetics (formerly Invitae), Labcorp
Classification: Uncertain significance for Epileptic encephalopathy. Last evaluated: 2023-06-14. Review status: criteria provided, single submitter. Criteria: Invitae Variant Classification Sherloc (09022015). Collection method: clinical testing. Allele origin: germline.
Comment: This variant has not been reported in the literature in individuals affected with FASN-related conditions. This variant is not present in population databases (gnomAD no frequency). This sequence change falls in intron 27 of the FASN gene. It does not directly change the encoded amino acid sequence of the FASN protein. It affects a nucleotide within the consensus splice site. Variants that disrupt the consensus splice site are a relatively common cause of aberrant splicing (PMID: 17576681, 9536098). Algorithms developed to predict the effect of sequence changes on RNA splicing suggest that this variant is not likely to affect RNA splicing. In summary, the available evidence is currently insufficient to determine the role of this variant in disease. Therefore, it has been classified as a Variant of Uncertain Significance.

Literature cited by the submitters: PubMed 17576681; PubMed 9536098.

NM_004104.5(FASN):c.4769-3C>T

Gene: FASN (fatty acid synthase; minus strand). Cytogenetic location: 17q25.3.
Variant type: single nucleotide variant.
Coding change: c.4769-3C>T on transcript NM_004104.5 (MANE Select); 3 bases into the intron before coding-DNA position 4769, C replaced by T.
Molecular consequence: intron variant.
Genome position (GRCh38, 1-based): chr17:82,084,387, G>A on the plus strand (C>T on the coding strand, the complement: FASN is on the minus strand). VCF-style: chr17-82084387-G-A. GRCh37 (hg19) VCF-style: chr17-80042263-G-A.
Identifiers: ClinVar variation 2998823 (VCV002998823.3), dbSNP rs2034049057, ClinGen allele CA986908307.